The following is an entry in ClinVar:

NM_170784.3(MKKS):c.130A>C (p.Lys44Gln)

Gene: MKKS (MKKS centrosomal shuttling protein; minus strand). Cytogenetic location: 20p12.2.
Variant type: single nucleotide variant.
Coding change: c.130A>C on transcript NM_170784.3 (MANE Select); coding-DNA position 130, A replaced by C.
Protein change: p.Lys44Gln; replaces lysine 44 with glutamine.
Molecular consequence: missense variant.
Genome position (GRCh38, 1-based): chr20:10,413,385, T>G on the plus strand (A>C on the coding strand, the complement: MKKS is on the minus strand). VCF-style: chr20-10413385-T-G. GRCh37 (hg19) VCF-style: chr20-10394033-T-G.
Other names: c.130A>C, p.Lys44Gln (NM_018848.3); short protein forms K44Q.
Identifiers: ClinVar variation 1025719 (VCV001025719.7), dbSNP rs2064910872, ClinGen allele CA408233776.

ClinVar aggregate classification (germline): Uncertain significance. Review status: criteria provided, multiple submitters, no conflicts (2 of 4 stars). 2 submissions from 2 submitters: Uncertain significance (2). Last evaluated 2024-01-10.

Conditions:
McKusick-Kaufman syndrome (MKKS). Also called: HYDROMETROCOLPOS SYNDROME; HYDROMETROCOLPOS, POSTAXIAL POLYDACTYLY, AND CONGENITAL HEART MALFORMATION. Identifiers: Orphanet 2473, MedGen C0948368, MONDO:0009367, OMIM 236700.
Bardet-Biedl syndrome 6 (BBS6). Identifiers: Orphanet 110, MedGen C1858054, MONDO:0011523, OMIM 605231.
Bardet-Biedl syndrome (BBS). Identifiers: Orphanet 110, MedGen C0752166, MONDO:0015229.

Allele frequency attached by ClinVar (database versions not stated): gnomAD 0.00001; gnomAD exomes 0.00001.
gnomAD v4.1: 11 of 1,612,964 alleles (0.00068%); highest among the groups gnomAD compares: African/African-American, 0.0013%; no homozygotes.

Submissions (2):

Fulgent Genetics
Classification: Uncertain significance for McKusick-Kaufman syndrome; Bardet-Biedl syndrome 6. Last evaluated: 2024-01-10. Review status: criteria provided, single submitter. Criteria: ACMG Guidelines, 2015. Collection method: clinical testing. Allele origin: germline.

Labcorp Genetics (formerly Invitae), Labcorp
Classification: Uncertain significance for McKusick-Kaufman syndrome; Bardet-Biedl syndrome. Last evaluated: 2022-08-23. Review status: criteria provided, single submitter. Criteria: Invitae Variant Classification Sherloc (09022015). Collection method: clinical testing. Allele origin: germline.
Comment: This sequence change replaces lysine, which is basic and polar, with glutamine, which is neutral and polar, at codon 44 of the MKKS protein (p.Lys44Gln). This variant is not present in population databases (gnomAD no frequency). This variant has not been reported in the literature in individuals affected with MKKS-related conditions. ClinVar contains an entry for this variant (Variation ID: 1025719). Algorithms developed to predict the effect of missense changes on protein structure and function are either unavailable or do not agree on the potential impact of this missense change (SIFT: "Deleterious"; PolyPhen-2: "Probably Damaging"; Align-GVGD: "Class C0"). In summary, the available evidence is currently insufficient to determine the role of this variant in disease. Therefore, it has been classified as a Variant of Uncertain Significance.